The following is an entry in ClinVar:

NM_017882.3(CLN6):c.198+181A>G

Gene: CLN6 (CLN6 transmembrane ER protein; minus strand). Cytogenetic location: 15q23.
Variant type: single nucleotide variant.
Coding change: c.198+181A>G on transcript NM_017882.3 (MANE Select); 181 bases into the intron after coding-DNA position 198, A replaced by G.
Molecular consequence: intron variant.
Genome position (GRCh38, 1-based): chr15:68,218,355, T>C on the plus strand (A>G on the coding strand, the complement: CLN6 is on the minus strand). VCF-style: chr15-68218355-T-C. GRCh37 (hg19) VCF-style: chr15-68510693-T-C.
Other names: NC_000015.9:g.68510693T>C.
Identifiers: ClinVar variation 677429 (VCV000677429.3), dbSNP rs59385667, ClinGen allele CA272390056.

ClinVar aggregate classification (germline): Benign. Review status: criteria provided, multiple submitters, no conflicts (2 of 4 stars). 2 submissions from 2 submitters: Benign (2). Last evaluated 2018-06-14.

Allele frequency attached by ClinVar (database versions not stated): gnomAD exomes 0.00469; gnomAD 0.03464 and 0.03723; 1000 Genomes Project 0.03754; TOPMed 0.04017; 1000 Genomes Project 30x 0.04122.
gnomAD v4.1: 7,244 of 559,146 alleles (1.3%); highest among the groups gnomAD compares: African/African-American, 12%; 378 homozygotes.

Submissions (10):

GeneDx
Classification: Benign. Last evaluated: 2018-06-14. Review status: criteria provided, single submitter. Criteria: GeneDx Variant Classification (06012015). Collection method: clinical testing. Allele origin: germline. Affected: yes.
Comment: This variant is considered likely benign or benign based on one or more of the following criteria: it is a conservative change, it occurs at a poorly conserved position in the protein, it is predicted to be benign by multiple in silico algorithms, and/or has population frequency not consistent with disease.

Breakthrough Genomics
Classification: Benign. Review status: criteria provided, single submitter. Criteria: ACMG Guidelines, 2015. Collection method: not provided. Allele origin: germline. Inheritance: Autosomal recessive inheritance. Affected: yes.

Dr. Peter K. Rogan Lab, Western University
No classification provided (evidence only). Condition: Lung cancer. Review status: no classification provided. Collection method: in vitro. Allele origin: not applicable. Functional consequence: skipped exon. Not counted in ClinVar's aggregate classification.

Dr. Peter K. Rogan Lab, Western University
No classification provided (evidence only). Condition: Uterine corpus endometrial carcinoma. Review status: no classification provided. Collection method: in vitro. Allele origin: not applicable. Functional consequence: retained intron. Not counted in ClinVar's aggregate classification.

Dr. Peter K. Rogan Lab, Western University
No classification provided (evidence only). Condition: Uterine corpus endometrial carcinoma. Review status: no classification provided. Collection method: in vitro. Allele origin: not applicable. Functional consequence: retained intron. Not counted in ClinVar's aggregate classification.

Dr. Peter K. Rogan Lab, Western University
No classification provided (evidence only). Condition: Uterine corpus endometrial carcinoma. Review status: no classification provided. Collection method: in vitro. Allele origin: not applicable. Functional consequence: retained intron. Not counted in ClinVar's aggregate classification.

Dr. Peter K. Rogan Lab, Western University
No classification provided (evidence only). Condition: Cervical cancer. Review status: no classification provided. Collection method: in vitro. Allele origin: not applicable. Functional consequence: retained intron. Not counted in ClinVar's aggregate classification.

Dr. Peter K. Rogan Lab, Western University
No classification provided (evidence only). Condition: Cervical cancer. Review status: no classification provided. Collection method: in vitro. Allele origin: not applicable. Functional consequence: skipped exon. Not counted in ClinVar's aggregate classification.

Dr. Peter K. Rogan Lab, Western University
No classification provided (evidence only). Condition: Thymoma. Review status: no classification provided. Collection method: in vitro. Allele origin: not applicable. Functional consequence: retained intron. Not counted in ClinVar's aggregate classification.

Dr. Peter K. Rogan Lab, Western University
No classification provided (evidence only). Condition: Cholangiocarcinoma. Review status: no classification provided. Collection method: in vitro. Allele origin: not applicable. Functional consequence: retained intron. Not counted in ClinVar's aggregate classification.